The following is an entry in ClinVar:

NM_005751.5(AKAP9):c.2788A>G (p.Met930Val)

Gene: AKAP9 (A-kinase anchoring protein 9; plus strand). Cytogenetic location: 7q21.2.
Variant type: single nucleotide variant.
Coding change: c.2788A>G on transcript NM_005751.5 (MANE Select); coding-DNA position 2788, A replaced by G.
Protein change: p.Met930Val; replaces methionine 930 with valine.
Molecular consequence: missense variant.
Genome position (GRCh38, 1-based): chr7:92,002,705, A>G. VCF-style: chr7-92002705-A-G. GRCh37 (hg19) VCF-style: chr7-91632019-A-G.
Other names: c.2788A>G, p.Met930Val (NM_147185.3); short protein forms M930V.
Identifiers: ClinVar variation 2564484 (VCV002564484.2), dbSNP rs2484695015, ClinGen allele CA368124931.
Genomic context (GRCh38, chr7:92,002,705, plus strand): 5'-GTGAAAATGAAAAGTTCTGTCTTTGATGAAGACAAAACTTTTGTAGCAGAAACATTGGAA[A>G]TGGGTGAGGTTGTTGAAAAGGATACAACAGAACTCATGGAAAAACTTGAGGTAACCAAGC-3'
Protein context (NP_005742.4, residues 920-940): DKTFVAETLE[Met930Val]GEVVEKDTTE

ClinVar aggregate classification (germline): Uncertain significance (1 of 4 stars; one submission).

Conditions:
Cardiovascular phenotype. Identifiers: MedGen CN230736.

Allele frequency attached by ClinVar (database versions not stated): gnomAD exomes below 0.00001.
gnomAD v4.1: 7 of 1,613,638 alleles (0.00043%); highest among the groups gnomAD compares: Non-Finnish European, 0.00051%; no homozygotes.

Submission:

Ambry Genetics
Classification: Uncertain significance for Cardiovascular phenotype. Last evaluated: 2023-05-18. Review status: criteria provided, single submitter. Criteria: Ambry Variant Classification Scheme 2023. Collection method: clinical testing. Allele origin: germline.
Comment: The p.M930V variant (also known as c.2788A>G), located in coding exon 8 of the AKAP9 gene, results from an A to G substitution at nucleotide position 2788. The methionine at codon 930 is replaced by valine, an amino acid with highly similar properties. This amino acid position is conserved. In addition, this alteration is predicted to be tolerated by in silico analysis. Since supporting evidence is limited at this time, the clinical significance of this alteration remains unclear.